The following is an entry in ClinVar:

ClinVar aggregate classification (germline): Conflicting classifications of pathogenicity. Review status: criteria provided, conflicting classifications (1 of 4 stars). 3 submissions from 3 submitters: Uncertain significance (2); Likely benign (1). Last evaluated 2026-06-10.

Conditions:
Inborn genetic diseases. Identifiers: MedGen C0950123, MeSH D030342.
LAMB2-related infantile-onset nephrotic syndrome. Also called: NEPHROTIC SYNDROME, TYPE 5, WITHOUT OCULAR ABNORMALITIES; NEPHROTIC SYNDROME, TYPE 5, WITH OCULAR ABNORMALITIES; Nephrotic Syndrome, type 5. Identifiers: Orphanet 306507, MedGen C3280113, MONDO:0013621, OMIM 614199.
Pierson syndrome. Also called: MICROCORIA-CONGENITAL NEPHROTIC SYNDROME. Identifiers: Orphanet 2670, MedGen C1836876, MONDO:0012184, OMIM 609049.

Allele frequency attached by ClinVar (database versions not stated): gnomAD 0.00006; TOPMed 0.00007.
gnomAD v4.1: 118 of 1,614,034 alleles (0.0073%); highest among the groups gnomAD compares: African/African-American, 0.008%; no homozygotes.

Submissions (3):

Women's Health and Genetics/Laboratory Corporation of America, LabCorp
Classification: Uncertain significance. Last evaluated: 2026-06-10. Review status: criteria provided, single submitter. Criteria: LabCorp Variant Classification Summary - May 2015. Collection method: clinical testing. Allele origin: germline.
Comment: Variant summary: LAMB2 c.986G>A (p.Arg329His) results in a non-conservative amino acid change in the encoded protein sequence. Algorithms developed to predict the effect of missense changes on protein structure and function are either unavailable or do not agree on the potential impact of this missense change. The variant allele was found at a frequency of 2e-05 in 251416 control chromosomes. The available data on variant occurrences in the general population are insufficient to allow any conclusion about variant significance. To our knowledge, no occurrence of c.986G>A in individuals affected with LAMB2-related conditions and no experimental evidence demonstrating its impact on protein function have been reported. ClinVar contains an entry for this variant (Variation ID: 1950245). Based on the evidence outlined above, the variant was classified as uncertain significance.

Labcorp Genetics (formerly Invitae), Labcorp
Classification: Uncertain significance for LAMB2-related infantile-onset nephrotic syndrome; Pierson syndrome. Last evaluated: 2023-11-30. Review status: criteria provided, single submitter. Criteria: Invitae Variant Classification Sherloc (09022015). Collection method: clinical testing. Allele origin: germline.
Comment: This sequence change replaces arginine, which is basic and polar, with histidine, which is basic and polar, at codon 329 of the LAMB2 protein (p.Arg329His). This variant is present in population databases (no rsID available, gnomAD 0.006%). This variant has not been reported in the literature in individuals affected with LAMB2-related conditions. ClinVar contains an entry for this variant (Variation ID: 1950245). Algorithms developed to predict the effect of missense changes on protein structure and function output the following: SIFT: "Not Available"; PolyPhen-2: "Benign"; Align-GVGD: "Not Available". The histidine amino acid residue is found in multiple mammalian species, which suggests that this missense change does not adversely affect protein function. In summary, the available evidence is currently insufficient to determine the role of this variant in disease. Therefore, it has been classified as a Variant of Uncertain Significance.

Ambry Genetics
Classification: Likely benign for Inborn genetic diseases. Last evaluated: 2023-05-31. Review status: criteria provided, single submitter. Criteria: Ambry Variant Classification Scheme 2023. Collection method: clinical testing. Allele origin: germline.

NM_002292.4(LAMB2):c.986G>A (p.Arg329His)

Gene: LAMB2 (laminin subunit beta 2; minus strand). Cytogenetic location: 3p21.31.
Variant type: single nucleotide variant.
Coding change: c.986G>A on transcript NM_002292.4 (MANE Select); coding-DNA position 986, G replaced by A.
Protein change: p.Arg329His; replaces arginine 329 with histidine.
Molecular consequence: missense variant.
Genome position (GRCh38, 1-based): chr3:49,130,790, C>T on the plus strand (G>A on the coding strand, the complement: LAMB2 is on the minus strand). VCF-style: chr3-49130790-C-T. GRCh37 (hg19) VCF-style: chr3-49168223-C-T.
Other names: c.986G>A (NM_002292.3); short protein forms R329H.
Identifiers: ClinVar variation 1950245 (VCV001950245.6), dbSNP rs909274897, ClinGen allele CA74488041.